The following is an entry in ClinVar:

NM_002439.5(MSH3):c.3322G>C (p.Ala1108Pro)

Gene: MSH3 (mutS homolog 3; plus strand). Cytogenetic location: 5q14.1.
Variant type: single nucleotide variant.
Coding change: c.3322G>C on transcript NM_002439.5 (MANE Select); coding-DNA position 3322, G replaced by C.
Protein change: p.Ala1108Pro; replaces alanine 1108 with proline.
Molecular consequence: missense variant.
Genome position (GRCh38, 1-based): chr5:80,875,770, G>C. VCF-style: chr5-80875770-G-C. GRCh37 (hg19) VCF-style: chr5-80171589-G-C.
Other names: short protein forms A1108P.
Identifiers: ClinVar variation 1730218 (VCV001730218.3), dbSNP rs2478808791, ClinGen allele CA360347306.

ClinVar aggregate classification (germline): Uncertain significance (1 of 4 stars; one submission).

Conditions:
Hereditary cancer-predisposing syndrome. Also called: Neoplastic Syndromes, Hereditary; Tumor predisposition; Hereditary Cancer Syndrome; Hereditary neoplastic syndrome. Identifiers: Orphanet 140162, MedGen C0027672, MeSH D009386, MONDO:0015356.

Allele frequency attached by ClinVar (database versions not stated): gnomAD exomes below 0.00001.
gnomAD v4.1: 1 of 1,612,778 alleles (0.000062%); highest among the groups gnomAD compares: African/African-American, 0.0013%; no homozygotes.

Submission:

Ambry Genetics
Classification: Uncertain significance for Hereditary cancer-predisposing syndrome. Last evaluated: 2024-10-06. Review status: criteria provided, single submitter. Criteria: Ambry Variant Classification Scheme 2023. Collection method: clinical testing. Allele origin: germline.
Comment: The p.A1108P variant (also known as c.3322G>C), located in coding exon 24 of the MSH3 gene, results from a G to C substitution at nucleotide position 3322. The alanine at codon 1108 is replaced by proline, an amino acid with highly similar properties. This amino acid position is not well conserved in available vertebrate species. In addition, this alteration is predicted to be tolerated by in silico analysis. Since supporting evidence is limited at this time, the clinical significance of this alteration remains unclear.